The following is an entry in ClinVar:

NM_002067.5(GNA11):c.601T>A (p.Phe201Ile)

Gene: GNA11 (G protein subunit alpha 11; plus strand). Cytogenetic location: 19p13.3.
Variant type: single nucleotide variant.
Coding change: c.601T>A on transcript NM_002067.5 (MANE Select); coding-DNA position 601, T replaced by A.
Protein change: p.Phe201Ile; replaces phenylalanine 201 with isoleucine.
Molecular consequence: missense variant.
Genome position (GRCh38, 1-based): chr19:3,115,068, T>A. VCF-style: chr19-3115068-T-A. GRCh37 (hg19) VCF-style: chr19-3115066-T-A.
Other names: short protein forms F201I.
Identifiers: ClinVar variation 4993237 (VCV004993237.1).

ClinVar aggregate classification (germline): Uncertain significance (1 of 4 stars; one submission).

Conditions:
GNA11-related disorder. Also called: GNA11-related condition.

Submission:

PreventionGenetics, part of Exact Sciences
Classification: Uncertain significance for GNA11-related condition. Last evaluated: 2025-10-28. Review status: criteria provided, single submitter. Criteria: ACMG Guidelines, 2015. Collection method: clinical testing. Allele origin: germline.
Comment: The GNA11 c.601T>A variant is predicted to result in the amino acid substitution p.Phe201Ile. To our knowledge, this variant has not been reported in the literature or in a large population database (gnomAD), indicating this variant is rare. At this time, the clinical significance of this variant is uncertain due to the absence of conclusive functional and genetic evidence.